The following is an entry in ClinVar:

ClinVar aggregate classification (germline): Benign. Review status: criteria provided, multiple submitters, no conflicts (2 of 4 stars). 2 submissions from 2 submitters: Benign (2). Last evaluated 2018-01-13.

Conditions:
Multiple sulfatase deficiency (MSD). Also called: Mucosulfatidosis; Multiple Sulfatase Deficiency Disease; Sulfatidosis, Juvenile, Austin Type. Identifiers: Orphanet 585, MedGen C0268263, MONDO:0010088, OMIM 272200.

Allele frequency attached by ClinVar (database versions not stated): 1000 Genomes Project 30x 0.02811; 1000 Genomes Project 0.02855; TOPMed 0.03250.
gnomAD v4.1: 6,545 of 159,156 alleles (4.1%); highest among the groups gnomAD compares: South Asian, 7.9%; 185 homozygotes.

Submissions (2):

Illumina Laboratory Services, Illumina
Classification: Benign for Multiple sulfatase deficiency. Last evaluated: 2018-01-13. Review status: criteria provided, single submitter. Criteria: ICSL Variant Classification Criteria 13 December 2019. Collection method: clinical testing. Allele origin: germline.
Comment: This variant was observed in the ICSL laboratory as part of a predisposition screen in an ostensibly healthy population. It had not been previously curated by ICSL or reported in the Human Gene Mutation Database (HGMD: prior to June 1st, 2018), and was therefore a candidate for classification through an automated scoring system. Utilizing variant allele frequency, disease prevalence and penetrance estimates, and inheritance mode, an automated score was calculated to assess if this variant is too frequent to cause the disease. Based on the score and internal cut-off values, a variant classified as benign is not then subjected to further curation. The score for this variant resulted in a classification of benign for this disease.

Breakthrough Genomics
Classification: Benign. Review status: criteria provided, single submitter. Criteria: ACMG Guidelines, 2015. Collection method: not provided. Allele origin: germline. Inheritance: Autosomal recessive inheritance. Affected: yes.

NM_182760.4(SUMF1):c.*568G>A

Gene: SUMF1 (sulfatase modifying factor 1; minus strand). Cytogenetic location: 3p26.1.
Variant type: single nucleotide variant.
Coding change: c.*568G>A on transcript NM_182760.4 (MANE Select); 568 bases downstream of the stop codon, G replaced by A.
Molecular consequence: 3 prime UTR variant.
Genome position (GRCh38, 1-based): chr3:4,361,576, C>T on the plus strand (G>A on the coding strand, the complement: SUMF1 is on the minus strand). VCF-style: chr3-4361576-C-T. GRCh37 (hg19) VCF-style: chr3-4403260-C-T.
Other names: c.*568G>A (NM_001164674.2, NM_001164675.2).
Identifiers: ClinVar variation 345298 (VCV000345298.6), dbSNP rs73022033, ClinGen allele CA10618478.